The following is an entry in ClinVar:

ClinVar aggregate classification (germline): Likely benign (1 of 4 stars; one submission).

Submission:

Women's Health and Genetics/Laboratory Corporation of America, LabCorp
Classification: Likely benign. Last evaluated: 2024-09-11. Review status: criteria provided, single submitter. Criteria: LabCorp Variant Classification Summary - May 2015. Collection method: clinical testing. Allele origin: germline.
Comment: Variant summary: PACS1 c.2429+16delG alters a non-conserved nucleotide located at a position not widely known to affect splicing. Consensus agreement among computation tools predict no significant impact on normal splicing. However, these predictions have yet to be confirmed by functional studies. The variant was absent in 243490 control chromosomes. The available data on variant occurrences in the general population are insufficient to allow any conclusion about variant significance. To our knowledge, no occurrence of c.2429+16delG in individuals affected with Schuurs-Hoeijmakers Syndrome and no experimental evidence demonstrating its impact on protein function have been reported. No submitters have cited clinical-significance assessments for this variant to ClinVar. Based on the evidence outlined above, the variant was classified as likely benign.

NM_018026.4(PACS1):c.2429+16del

Gene: PACS1 (phosphofurin acidic cluster sorting protein 1; plus strand). Cytogenetic location: 11q13.2.
Variant type: Deletion.
Coding change: c.2429+16del on transcript NM_018026.4 (MANE Select); 16 bases into the intron after coding-DNA position 2429, one base deleted (G; older notation c.2429+16delG).
Molecular consequence: intron variant.
Genome position (GRCh38, 1-based): chr11:66,239,293, G deleted. VCF-style (leftmost placement, unchanged base first): chr11-66239292-CG-C. GRCh37 (hg19) VCF-style: chr11-66006763-CG-C.
Other names: c.2429+16delG (NM_018026.4).
Identifiers: ClinVar variation 3374865 (VCV003374865.1).